The following is an entry in ClinVar:

NM_006947.4(SRP72):c.37G>A (p.Ala13Thr)

Gene: SRP72 (signal recognition particle 72; plus strand). Cytogenetic location: 4q12.
Variant type: single nucleotide variant.
Coding change: c.37G>A on transcript NM_006947.4 (MANE Select); coding-DNA position 37, G replaced by A.
Protein change: p.Ala13Thr; replaces alanine 13 with threonine.
Molecular consequence: missense variant. On other transcripts: non-coding transcript variant (1).
Genome position (GRCh38, 1-based): chr4:56,467,672, G>A. VCF-style: chr4-56467672-G-A. GRCh37 (hg19) VCF-style: chr4-57333838-G-A.
Other names: c.37G>A, p.Ala13Thr (NM_001267722.2); short protein forms A13T.
Identifiers: ClinVar variation 1810087 (VCV001810087.6), dbSNP rs781230154, ClinGen allele CA2930939.

ClinVar aggregate classification (germline): Uncertain significance. Review status: criteria provided, multiple submitters, no conflicts (2 of 4 stars). 3 submissions from 3 submitters: Uncertain significance (3). Last evaluated 2026-01-24.

gnomAD v4.1: 14 of 1,566,492 alleles (0.00089%); highest among the groups gnomAD compares: Middle Eastern, 0.017%; no homozygotes.

Submissions (3):

Labcorp Genetics (formerly Invitae), Labcorp
Classification: Uncertain significance. Last evaluated: 2026-01-24. Review status: criteria provided, single submitter. Criteria: Invitae Variant Classification Sherloc (09022015). Collection method: clinical testing. Allele origin: germline.
Comment: This sequence change replaces alanine, which is neutral and non-polar, with threonine, which is neutral and polar, at codon 13 of the SRP72 protein (p.Ala13Thr). This variant is present in population databases (rs781230154, gnomAD 0.001%). This variant has not been reported in the literature in individuals affected with SRP72-related conditions. ClinVar contains an entry for this variant (Variation ID: 1810087). Invitae Evidence Modeling of protein sequence and biophysical properties (such as structural, functional, and spatial information, amino acid conservation, physicochemical variation, residue mobility, and thermodynamic stability) indicates that this missense variant is not expected to disrupt SRP72 protein function with a negative predictive value of 80%. In summary, the available evidence is currently insufficient to determine the role of this variant in disease. Therefore, it has been classified as a Variant of Uncertain Significance.

Ambry Genetics
Classification: Uncertain significance. Last evaluated: 2025-02-06. Review status: criteria provided, single submitter. Criteria: Ambry Variant Classification Scheme 2023. Collection method: clinical testing. Allele origin: germline.
Comment: The p.A13T variant (also known as c.37G>A), located in coding exon 1 of the SRP72 gene, results from a G to A substitution at nucleotide position 37. The alanine at codon 13 is replaced by threonine, an amino acid with similar properties. This amino acid position is conserved. In addition, this alteration is predicted to be tolerated by in silico analysis. Based on the available evidence, the clinical significance of this variant remains unclear.

GeneDx
Classification: Uncertain significance. Last evaluated: 2022-06-28. Review status: criteria provided, single submitter. Criteria: GeneDx Variant Classification Process June 2021. Collection method: clinical testing. Allele origin: germline. Affected: yes.
Comment: Not observed at significant frequency in large population cohorts (gnomAD); In silico analysis supports that this missense variant does not alter protein structure/function; Has not been previously published as pathogenic or benign to our knowledge; This variant is associated with the following publications: (PMID: 28369529, 27899666)